The following is an entry in ClinVar:

NM_001042492.3(NF1):c.8405C>G (p.Ser2802Cys)

Gene: NF1 (neurofibromin 1; plus strand). Cytogenetic location: 17q11.2.
Variant type: single nucleotide variant.
Coding change: c.8405C>G on transcript NM_001042492.3 (MANE Select); coding-DNA position 8405, C replaced by G.
Protein change: p.Ser2802Cys; replaces serine 2802 with cysteine.
Molecular consequence: missense variant.
Genome position (GRCh38, 1-based): chr17:31,374,040, C>G. VCF-style: chr17-31374040-C-G. GRCh37 (hg19) VCF-style: chr17-29701058-C-G.
Other names: c.8342C>G, p.Ser2781Cys (NM_000267.4); short protein forms S2781C, S2802C.
Identifiers: ClinVar variation 3714441 (VCV003714441.2).
Genomic context (GRCh38, chr17:31,374,040, plus strand): 5'-GAAGAAGTAACTGGCTGTTCTCTTTTTCTCCAGGAATCGACAAGGAGAACGTTGAACTCT[C>G]CCCTACCACTGGCCACTGTAACAGTGGACGAACTCGCCACGGATCCGCAAGCCAAGTGCA-3'
Protein context (NP_001035957.1, residues 2792-2812): PGIDKENVEL[Ser2802Cys]PTTGHCNSGR

ClinVar aggregate classification (germline): Uncertain significance (1 of 4 stars; one submission).

Conditions:
Neurofibromatosis, type 1 (NF1). Also called: VON RECKLINGHAUSEN DISEASE; NEUROFIBROMATOSIS, TYPE I, SOMATIC; Peripheral type neurofibromatosis; Neurofibromatosis, type I. Identifiers: Orphanet 636, MedGen C0027831, MONDO:0018975, OMIM 162200. Disease mechanism: loss of function.

Submission:

Labcorp Genetics (formerly Invitae), Labcorp
Classification: Uncertain significance for Neurofibromatosis, type 1. Last evaluated: 2024-09-04. Review status: criteria provided, single submitter. Criteria: Invitae Variant Classification Sherloc (09022015). Collection method: clinical testing. Allele origin: germline.
Comment: This sequence change replaces serine, which is neutral and polar, with cysteine, which is neutral and slightly polar, at codon 2781 of the NF1 protein (p.Ser2781Cys). This variant is not present in population databases (gnomAD no frequency). This variant has not been reported in the literature in individuals affected with NF1-related conditions. Invitae Evidence Modeling of protein sequence and biophysical properties (such as structural, functional, and spatial information, amino acid conservation, physicochemical variation, residue mobility, and thermodynamic stability) has been performed for this missense variant. However, the output from this modeling did not meet the statistical confidence thresholds required to predict the impact of this variant on NF1 protein function. In summary, the available evidence is currently insufficient to determine the role of this variant in disease. Therefore, it has been classified as a Variant of Uncertain Significance.